The following is an entry in ClinVar:

ClinVar aggregate classification (germline): Likely benign (1 of 4 stars; one submission).

Allele frequency attached by ClinVar (database versions not stated): gnomAD exomes 0.00020; gnomAD 0.00027; ExAC 0.00028; TOPMed 0.00044; 1000 Genomes Project 30x 0.00125; 1000 Genomes Project 0.00140.
gnomAD v4.1: 335 of 1,551,732 alleles (0.022%); highest among the groups gnomAD compares: East Asian, 0.6%; no homozygotes.

Submission:

CeGaT Center for Human Genetics Tuebingen
Classification: Likely benign. Last evaluated: 2022-09-01. Review status: criteria provided, single submitter. Criteria: CeGaT Center For Human Genetics Tuebingen Variant Classification Criteria Version 2. Collection method: clinical testing. Allele origin: germline. Affected: yes. Observed: 2 variant alleles.
Comment: IGFN1: BP4, BP7

NM_001164586.2(IGFN1):c.822G>A (p.Glu274=)

Gene: IGFN1 (immunoglobulin like and fibronectin type III domain containing 1; plus strand). Cytogenetic location: 1q32.1.
Variant type: single nucleotide variant.
Coding change: c.822G>A on transcript NM_001164586.2 (MANE Select); coding-DNA position 822, G replaced by A.
Protein change: p.Glu274=; no amino-acid change (glutamic acid 274 retained).
Molecular consequence: synonymous variant.
Genome position (GRCh38, 1-based): chr1:201,203,812, G>A. VCF-style: chr1-201203812-G-A. GRCh37 (hg19) VCF-style: chr1-201172940-G-A.
Other names: c.822G>A, p.Glu274= (NM_001367841.1).
Identifiers: ClinVar variation 2639748 (VCV002639748.24), dbSNP rs148582219, ClinGen allele CA1322240.